The following is an entry in ClinVar:

ClinVar aggregate classification (germline): Uncertain significance (1 of 4 stars; one submission).

Allele frequency attached by ClinVar (database versions not stated): gnomAD exomes below 0.00001; TOPMed below 0.00001.

Submission:

GeneDx
Classification: Uncertain significance. Last evaluated: 2022-08-22. Review status: criteria provided, single submitter. Criteria: GeneDx Variant Classification Process June 2021. Collection method: clinical testing. Allele origin: germline. Affected: yes.
Comment: Not observed at significant frequency in large population cohorts (gnomAD); In silico analysis supports that this missense variant does not alter protein structure/function; Has not been previously published as pathogenic or benign to our knowledge

NM_014727.3(KMT2B):c.5845A>G (p.Thr1949Ala)

Gene: KMT2B (lysine methyltransferase 2B; plus strand). Cytogenetic location: 19q13.12.
Variant type: single nucleotide variant.
Coding change: c.5845A>G on transcript NM_014727.3 (MANE Select); coding-DNA position 5845, A replaced by G.
Protein change: p.Thr1949Ala; replaces threonine 1949 with alanine.
Molecular consequence: missense variant.
Genome position (GRCh38, 1-based): chr19:35,732,394, A>G. VCF-style: chr19-35732394-A-G. GRCh37 (hg19) VCF-style: chr19-36223295-A-G.
Other names: short protein forms T1949A.
Identifiers: ClinVar variation 2430449 (VCV002430449.1), dbSNP rs1202163289, ClinGen allele CA405424156.